The following is an entry in ClinVar:

NM_152703.5(SAMD9L):c.1498G>A (p.Gly500Ser)

Gene: SAMD9L (sterile alpha motif domain containing 9 like; minus strand). Cytogenetic location: 7q21.2.
Variant type: single nucleotide variant.
Coding change: c.1498G>A on transcript NM_152703.5 (MANE Select); coding-DNA position 1498, G replaced by A.
Protein change: p.Gly500Ser; replaces glycine 500 with serine.
Molecular consequence: missense variant.
Genome position (GRCh38, 1-based): chr7:93,134,474, C>T on the plus strand (G>A on the coding strand, the complement: SAMD9L is on the minus strand). VCF-style: chr7-93134474-C-T. GRCh37 (hg19) VCF-style: chr7-92763787-C-T.
Other names: c.1498G>A, p.Gly500Ser (NM_001303496.3, NM_001303497.3, NM_001303498.3 and 5 more transcripts); c.1498G>A (NM_152703.2); short protein forms G500S.
Identifiers: ClinVar variation 1915282 (VCV001915282.6), dbSNP rs746667481, ClinGen allele CA4343719.

ClinVar aggregate classification (germline): Uncertain significance. Review status: criteria provided, multiple submitters, no conflicts (2 of 4 stars). 2 submissions from 2 submitters: Uncertain significance (2). Last evaluated 2025-02-16.

Conditions:
Inborn genetic diseases. Identifiers: MedGen C0950123, MeSH D030342.

Allele frequency attached by ClinVar (database versions not stated): TOPMed below 0.00001; gnomAD 0.00001; ExAC 0.00002; gnomAD exomes 0.00002.
gnomAD v4.1: 28 of 1,613,764 alleles (0.0017%); highest among the groups gnomAD compares: Admixed American, 0.0033%; no homozygotes.

Submissions (2):

Ambry Genetics
Classification: Uncertain significance for Inborn genetic diseases. Last evaluated: 2025-02-16. Review status: criteria provided, single submitter. Criteria: Ambry Variant Classification Scheme 2023. Collection method: clinical testing. Allele origin: germline.
Comment: The p.G500S variant (also known as c.1498G>A), located in coding exon 1 of the SAMD9L gene, results from a G to A substitution at nucleotide position 1498. The glycine at codon 500 is replaced by serine, an amino acid with similar properties. This amino acid position is conserved. In addition, the in silico prediction for this alteration is inconclusive. Based on the available evidence, the clinical significance of this variant remains unclear.

Labcorp Genetics (formerly Invitae), Labcorp
Classification: Uncertain significance. Last evaluated: 2022-01-21. Review status: criteria provided, single submitter. Criteria: Invitae Variant Classification Sherloc (09022015). Collection method: clinical testing. Allele origin: germline.
Comment: In summary, the available evidence is currently insufficient to determine the role of this variant in disease. Therefore, it has been classified as a Variant of Uncertain Significance. Algorithms developed to predict the effect of missense changes on protein structure and function are either unavailable or do not agree on the potential impact of this missense change (SIFT: "Not Available"; PolyPhen-2: "Probably Damaging"; Align-GVGD: "Not Available"). This variant has not been reported in the literature in individuals affected with SAMD9L-related conditions. This variant is present in population databases (rs746667481, gnomAD 0.003%). This sequence change replaces glycine, which is neutral and non-polar, with serine, which is neutral and polar, at codon 500 of the SAMD9L protein (p.Gly500Ser).